The following is an entry in ClinVar:

NM_001330078.2(NRXN1):c.2316C>T (p.Asp772=)

Gene: NRXN1 (neurexin 1; minus strand). Cytogenetic location: 2p16.3.
Variant type: single nucleotide variant.
Coding change: c.2316C>T on transcript NM_001330078.2 (MANE Select); coding-DNA position 2316, C replaced by T.
Protein change: p.Asp772=; no amino-acid change (aspartic acid 772 retained).
Molecular consequence: synonymous variant.
Genome position (GRCh38, 1-based): chr2:50,531,258, G>A on the plus strand (C>T on the coding strand, the complement: NRXN1 is on the minus strand). VCF-style: chr2-50531258-G-A. GRCh37 (hg19) VCF-style: chr2-50758396-G-A.
Other names: c.2436C>T, p.Asp812= (NM_001135659.3); c.2292C>T, p.Asp764= (NM_001330077.2, NM_001330082.2, NM_001330095.2); c.2277C>T, p.Asp759= (NM_001330083.2, NM_001330084.2); c.2316C>T, p.Asp772= (NM_001330085.2, NM_001330086.2, NM_004801.6); c.2232C>T, p.Asp744= (NM_001330087.2, NM_001330096.2); c.2262C>T, p.Asp754= (NM_001330088.2); c.2313C>T, p.Asp771= (NM_001330093.2); c.2304C>T, p.Asp768= (NM_001330094.2).
Identifiers: ClinVar variation 387532 (VCV000387532.10), dbSNP rs200449662, ClinGen allele CA1654875.

ClinVar aggregate classification (germline): Likely benign. Review status: criteria provided, multiple submitters, no conflicts (2 of 4 stars). 3 submissions from 3 submitters: Likely benign (3). Last evaluated 2025-08-21.

Conditions:
Pitt-Hopkins-like syndrome 2 (PTHSL2). Identifiers: Orphanet 221150, Orphanet 600663, MedGen C3280479, MONDO:0013690, OMIM 614325.

Allele frequency attached by ClinVar (database versions not stated): gnomAD 0.00001; gnomAD exomes 0.00002; ExAC 0.00004; TOPMed 0.00004; ESP Exome Variant Server 0.00008.
gnomAD v4.1: 35 of 1,613,332 alleles (0.0022%); highest among the groups gnomAD compares: African/African-American, 0.0027%; no homozygotes.

Submissions (3):

Labcorp Genetics (formerly Invitae), Labcorp
Classification: Likely benign for Pitt-Hopkins-like syndrome 2. Last evaluated: 2025-08-21. Review status: criteria provided, single submitter. Criteria: Invitae Variant Classification Sherloc (09022015). Collection method: clinical testing. Allele origin: germline.

Blueprint Genetics
Classification: Likely benign. Last evaluated: 2023-12-01. Review status: criteria provided, single submitter. Criteria: ACMG Guidelines, 2015. Collection method: clinical testing. Allele origin: germline.

GeneDx
Classification: Likely benign. Last evaluated: 2016-07-12. Review status: criteria provided, single submitter. Criteria: GeneDx Variant Classification (06012015). Collection method: clinical testing. Allele origin: germline. Affected: yes.
Comment: This variant is considered likely benign or benign based on one or more of the following criteria: it is a conservative change, it occurs at a poorly conserved position in the protein, it is predicted to be benign by multiple in silico algorithms, and/or has population frequency not consistent with disease.